The following is an entry in ClinVar:

ClinVar aggregate classification (germline): Uncertain significance (1 of 4 stars; one submission).

Allele frequency attached by ClinVar (database versions not stated): gnomAD exomes below 0.00001; TOPMed below 0.00001; gnomAD 0.00001.
gnomAD v4.1: 3 of 1,205,811 alleles (0.00025%); highest among the groups gnomAD compares: South Asian, 0.0018%; no homozygotes.

Submission:

Labcorp Genetics (formerly Invitae), Labcorp
Classification: Uncertain significance. Last evaluated: 2024-06-26. Review status: criteria provided, single submitter. Criteria: Invitae Variant Classification Sherloc (09022015). Collection method: clinical testing. Allele origin: germline.
Comment: This sequence change creates a premature translational stop signal (p.Gln622*) in the CHM gene. While this is not anticipated to result in nonsense mediated decay, it is expected to disrupt the last 32 amino acid(s) of the CHM protein. This variant is not present in population databases (gnomAD no frequency). This variant has not been reported in the literature in individuals affected with CHM-related conditions. In summary, the available evidence is currently insufficient to determine the role of this variant in disease. Therefore, it has been classified as a Variant of Uncertain Significance.

NM_000390.4(CHM):c.1864C>T (p.Gln622Ter)

Gene: CHM (CHM Rab escort protein; minus strand). Cytogenetic location: Xq21.2.
Variant type: single nucleotide variant.
Coding change: c.1864C>T on transcript NM_000390.4 (MANE Select); coding-DNA position 1864, C replaced by T.
Protein change: p.Gln622Ter; replaces glutamine 622 with a stop codon.
Molecular consequence: nonsense.
Genome position (GRCh38, 1-based): chrX:85,864,728, G>A on the plus strand (C>T on the coding strand, the complement: CHM is on the minus strand). VCF-style: chrX-85864728-G-A. GRCh37 (hg19) VCF-style: chrX-85119733-G-A.
Other names: c.1420C>T, p.Gln474Ter (NM_001320959.1, NM_001362517.1, NM_001362518.2 and 1 more transcripts); short protein forms Q622*, Q474*.
Identifiers: ClinVar variation 2967710 (VCV002967710.3), dbSNP rs1923579639, ClinGen allele CA413785149.